The following is an entry in ClinVar:

ClinVar aggregate classification (germline): Conflicting classifications of pathogenicity. Review status: criteria provided, conflicting classifications (1 of 4 stars). 3 submissions from 3 submitters: Uncertain significance (2); Likely benign (1). Last evaluated 2025-11-01.

Conditions:
Cardiovascular phenotype. Identifiers: MedGen CN230736.

Allele frequency attached by ClinVar (database versions not stated): ExAC 0.00001; gnomAD 0.00001; TOPMed 0.00003.
gnomAD v4.1: 23 of 1,613,694 alleles (0.0014%); highest among the groups gnomAD compares: Middle Eastern, 0.017%; no homozygotes.

Submissions (3):

CeGaT Center for Human Genetics Tuebingen
Classification: Uncertain significance. Last evaluated: 2025-11-01. Review status: criteria provided, single submitter. Criteria: CeGaT Center For Human Genetics Tuebingen Variant Classification Criteria Version 2. Collection method: clinical testing. Allele origin: germline. Affected: yes. Observed: 1 variant allele.
Comment: TNXB: PM2, BP4

GeneDx
Classification: Uncertain significance. Last evaluated: 2024-08-11. Review status: criteria provided, single submitter. Criteria: GeneDx Variant Classification Process June 2021. Collection method: clinical testing. Allele origin: germline. Affected: yes.
Comment: Not observed at significant frequency in large population cohorts (gnomAD); Has not been previously published as pathogenic or benign to our knowledge; In silico analysis indicates that this missense variant does not alter protein structure/function

Ambry Genetics
Classification: Likely benign for Cardiovascular phenotype. Last evaluated: 2023-07-14. Review status: criteria provided, single submitter. Criteria: Ambry Variant Classification Scheme 2023. Collection method: clinical testing. Allele origin: germline.

NM_001365276.2(TNXB):c.4244C>T (p.Ala1415Val)

Gene: TNXB (tenascin XB; minus strand). Cytogenetic location: 6p21.33.
Variant type: single nucleotide variant.
Coding change: c.4244C>T on transcript NM_001365276.2 (MANE Select); coding-DNA position 4244, C replaced by T.
Protein change: p.Ala1415Val; replaces alanine 1415 with valine.
Molecular consequence: missense variant.
Genome position (GRCh38, 1-based): chr6:32,079,164, G>A on the plus strand (C>T on the coding strand, the complement: TNXB is on the minus strand). VCF-style: chr6-32079164-G-A. GRCh37 (hg19) VCF-style: chr6-32046941-G-A.
Other names: c.4244C>T, p.Ala1415Val (NM_019105.8); short protein forms A1415V.
Identifiers: ClinVar variation 1301464 (VCV001301464.10), dbSNP rs770309992, ClinGen allele CA3734998.